The following is an entry in ClinVar:

ClinVar aggregate classification (germline): Benign (0 of 4 stars; one submission).

Conditions:
MUC16-related disorder. Also called: MUC16-related condition.

Allele frequency attached by ClinVar (database versions not stated): 1000 Genomes Project 30x 0.00156; 1000 Genomes Project 0.00160; TOPMed 0.00548; ExAC 0.00570; gnomAD 0.00573; ESP Exome Variant Server 0.00630; gnomAD exomes 0.00811.

Submission:

PreventionGenetics, part of Exact Sciences
Classification: Benign for MUC16-related condition. Last evaluated: 2019-05-13. Review status: no assertion criteria provided. Collection method: clinical testing. Allele origin: germline.
Comment: This variant is classified as benign based on ACMG/AMP sequence variant interpretation guidelines (Richards et al. 2015 PMID: 25741868, with internal and published modifications).

NM_001401501.2(MUC16):c.37622A>G (p.Glu12541Gly)

Gene: MUC16 (mucin 16, cell surface associated; minus strand). Cytogenetic location: 19p13.2.
Variant type: single nucleotide variant.
Coding change: c.37622A>G on transcript NM_001401501.2 (MANE Select); coding-DNA position 37622, A replaced by G.
Protein change: p.Glu12541Gly; replaces glutamic acid 12541 with glycine.
Molecular consequence: missense variant.
Genome position (GRCh38, 1-based): chr19:8,909,383, T>C on the plus strand (A>G on the coding strand, the complement: MUC16 is on the minus strand). VCF-style: chr19-8909383-T-C. GRCh37 (hg19) VCF-style: chr19-9020059-T-C.
Other names: c.38048A>G, p.Glu12683Gly (NM_001414686.1); c.37502A>G, p.Glu12501Gly (NM_001414687.1); c.37436A>G, p.Glu12479Gly (NM_024690.2); short protein forms E12479G, E12501G, E12541G, E12683G.
Identifiers: ClinVar variation 3041612 (VCV003041612.2), dbSNP rs201453310, ClinGen allele CA9165173.